The following is an entry in ClinVar:

ClinVar aggregate classification (germline): Conflicting classifications of pathogenicity. Review status: criteria provided, conflicting classifications (1 of 4 stars). 2 submissions from 2 submitters: Likely pathogenic (1); Uncertain significance (1). Last evaluated 2025-06-06.

Conditions:
Cystinuria (CSNU). Also called: CYSTINURIA, TYPE I; CYSTINURIA, TYPE II; CYSTINURIA, TYPE III; Cystinuria, non-type I. Identifiers: Orphanet 214, MedGen C0010691, MONDO:0009067, OMIM 220100, HP:0003131.

gnomAD v4.1: 2 of 1,613,916 alleles (0.00012%); highest among the groups gnomAD compares: Middle Eastern, 0.033%; no homozygotes.

Submissions (2):

Women's Health and Genetics/Laboratory Corporation of America, LabCorp
Classification: Uncertain significance. Last evaluated: 2025-06-06. Review status: criteria provided, single submitter. Criteria: LabCorp Variant Classification Summary - May 2015. Collection method: clinical testing. Allele origin: germline.
Comment: Variant summary: SLC3A1 c.1373G>A (p.Gly458Glu) results in a non-conservative amino acid change in the encoded protein sequence. Algorithms developed to predict the effect of missense changes on protein structure and function all suggest that this variant is likely to be disruptive. The variant was absent in 251242 control chromosomes. c.1373G>A has been observed in individual(s) affected with Cystinuria (e.g. Gitomer_1998, Tostivint_2017, internal data). These data indicate that the variant may be associated with disease. To our knowledge, no experimental evidence demonstrating an impact on protein function has been reported. The following publications have been ascertained in the context of this evaluation (PMID: 9768685, 28646536). ClinVar contains an entry for this variant (Variation ID: 3720324). Based on the evidence outlined above, the variant was classified as VUS-possibly pathogenic.

Labcorp Genetics (formerly Invitae), Labcorp
Classification: Likely pathogenic for Cystinuria. Last evaluated: 2024-05-21. Review status: criteria provided, single submitter. Criteria: Invitae Variant Classification Sherloc (09022015). Collection method: clinical testing. Allele origin: germline.
Comment: This sequence change replaces glycine, which is neutral and non-polar, with glutamic acid, which is acidic and polar, at codon 458 of the SLC3A1 protein (p.Gly458Glu). This variant is present in population databases (no rsID available, gnomAD no frequency). This missense change has been observed in individual(s) with cystinuria (PMID: 28646536; Invitae). Advanced modeling of protein sequence and biophysical properties (such as structural, functional, and spatial information, amino acid conservation, physicochemical variation, residue mobility, and thermodynamic stability) has been performed at Invitae for this missense variant, however the output from this modeling did not meet the statistical confidence thresholds required to predict the impact of this variant on SLC3A1 protein function. This variant disrupts the p.Gly458 amino acid residue in SLC3A1. Other variant(s) that disrupt this residue have been observed in individuals with SLC3A1-related conditions (PMID: 25964309, 28689648, 35149915), which suggests that this may be a clinically significant amino acid residue. In summary, the currently available evidence indicates that the variant is pathogenic, but additional data are needed to prove that conclusively. Therefore, this variant has been classified as Likely Pathogenic.

Literature cited by the submitters: PubMed 9768685 (cited by Women's Health and Genetics/Laboratory Corporation of America, LabCorp); PubMed 28646536 (cited by Women's Health and Genetics/Laboratory Corporation of America, LabCorp and Labcorp Genetics (formerly Invitae), Labcorp); PubMed 25964309 (cited by Labcorp Genetics (formerly Invitae), Labcorp); PubMed 28689648 (cited by Labcorp Genetics (formerly Invitae), Labcorp); PubMed 35149915 (cited by Labcorp Genetics (formerly Invitae), Labcorp).

NM_000341.4(SLC3A1):c.1373G>A (p.Gly458Glu)

Gene: SLC3A1 (solute carrier family 3 member 1; plus strand). Cytogenetic location: 2p21.
Variant type: single nucleotide variant.
Coding change: c.1373G>A on transcript NM_000341.4 (MANE Select); coding-DNA position 1373, G replaced by A.
Protein change: p.Gly458Glu; replaces glycine 458 with glutamic acid.
Molecular consequence: missense variant.
Genome position (GRCh38, 1-based): chr2:44,312,626, G>A. VCF-style: chr2-44312626-G-A. GRCh37 (hg19) VCF-style: chr2-44539765-G-A.
Other names: short protein forms G458E.
Identifiers: ClinVar variation 3720324 (VCV003720324.3).
Genomic context (GRCh38, chr2:44,312,626, plus strand): 5'-TAAAAATATCTGCCTTTCAGATTGGTGGACCAGACAGTTCACGGCTGACTTCGCGTTTGG[G>A]GAATCAGTATGTCAACGTGATGAACATGCTTCTTTTCACACTCCCTGGAACTCCTATAAC-3'
Protein context (NP_000332.2, residues 448-468): PDSSRLTSRL[Gly458Glu]NQYVNVMNML